The following is an entry in ClinVar:

ClinVar aggregate classification (germline): Pathogenic (1 of 4 stars; one submission).

Submission:

Labcorp Genetics (formerly Invitae), Labcorp
Classification: Pathogenic. Last evaluated: 2025-01-23. Review status: criteria provided, single submitter. Criteria: Invitae Variant Classification Sherloc (09022015). Collection method: clinical testing. Allele origin: germline.
Comment: This sequence change replaces aspartic acid, which is acidic and polar, with histidine, which is basic and polar, at codon 771 of the WFS1 protein (p.Asp771His). This variant is not present in population databases (gnomAD no frequency). This missense change has been observed in individual(s) with autosomal dominant nonsyndromic deafness (PMID: 15912360). It has also been observed to segregate with disease in related individuals. ClinVar contains an entry for this variant (Variation ID: 1458820). Invitae Evidence Modeling of protein sequence and biophysical properties (such as structural, functional, and spatial information, amino acid conservation, physicochemical variation, residue mobility, and thermodynamic stability) indicates that this missense variant is expected to disrupt WFS1 protein function with a positive predictive value of 95%. For these reasons, this variant has been classified as Pathogenic.

Literature cited by the submitters: PubMed 15912360.

NM_006005.3(WFS1):c.2311G>C (p.Asp771His)

Gene: WFS1 (wolframin ER transmembrane glycoprotein; plus strand). Cytogenetic location: 4p16.1.
Variant type: single nucleotide variant.
Coding change: c.2311G>C on transcript NM_006005.3 (MANE Select); coding-DNA position 2311, G replaced by C.
Protein change: p.Asp771His; replaces aspartic acid 771 with histidine.
Molecular consequence: missense variant.
Genome position (GRCh38, 1-based): chr4:6,302,106, G>C. VCF-style: chr4-6302106-G-C. GRCh37 (hg19) VCF-style: chr4-6303833-G-C.
Other names: c.2311G>C, p.Asp771His (NM_001145853.1); short protein forms D771H.
Identifiers: ClinVar variation 1458820 (VCV001458820.8), dbSNP rs534067035, ClinGen allele CA356178342.